The following is an entry in ClinVar:

NM_004260.4(RECQL4):c.1085A>T (p.His362Leu)

Gene: RECQL4 (RecQ like helicase 4; minus strand). Cytogenetic location: 8q24.3.
Variant type: single nucleotide variant.
Coding change: c.1085A>T on transcript NM_004260.4 (MANE Select); coding-DNA position 1085, A replaced by T.
Protein change: p.His362Leu; replaces histidine 362 with leucine.
Molecular consequence: missense variant. On other transcripts: 5 prime UTR variant (6), non-coding transcript variant (3).
Genome position (GRCh38, 1-based): chr8:144,516,034, T>A on the plus strand (A>T on the coding strand, the complement: RECQL4 is on the minus strand). VCF-style: chr8-144516034-T-A. GRCh37 (hg19) VCF-style: chr8-145741418-T-A.
Other names: c.989A>T, p.His330Leu (NM_001413017.1, NM_001413020.1); c.1085A>T, p.His362Leu (NM_001413018.1, NM_001413019.1, NM_001413033.1 and 2 more transcripts); c.14A>T, p.His5Leu (NM_001413021.1, NM_001413022.1, NM_001413023.1 and 8 more transcripts); c.956A>T, p.His319Leu (NM_001413025.1); c.-49A>T (NM_001413027.1, NM_001413030.1, NM_001413031.1 and 2 more transcripts); c.734A>T, p.His245Leu (NM_001413029.1); c.-256A>T (NM_001413043.1); short protein forms H245L, H319L, H330L, H362L, H5L.
Identifiers: ClinVar variation 4628990 (VCV004628990.1).

ClinVar aggregate classification (germline): Uncertain significance (1 of 4 stars; one submission).

Conditions:
Inborn genetic diseases. Identifiers: MedGen C0950123, MeSH D030342.

Submission:

Ambry Genetics
Classification: Uncertain significance for Inborn genetic diseases. Last evaluated: 2025-12-07. Review status: criteria provided, single submitter. Criteria: Ambry Variant Classification Scheme 2023. Collection method: clinical testing. Allele origin: germline.
Comment: The p.H362L variant (also known as c.1085A>T), located in coding exon 5 of the RECQL4 gene, results from an A to T substitution at nucleotide position 1085. The histidine at codon 362 is replaced by leucine, an amino acid with similar properties. This amino acid position is conserved. In addition, this alteration is predicted to be tolerated by in silico analysis. Based on the available evidence, the clinical significance of this variant remains unclear.